The following is an entry in ClinVar:

NM_017934.7(PHIP):c.296C>T (p.Thr99Ile)

Gene: PHIP (PHIP subunit of CUL4-Ring ligase complex; minus strand). Cytogenetic location: 6q14.1.
Variant type: single nucleotide variant.
Coding change: c.296C>T on transcript NM_017934.7 (MANE Select); coding-DNA position 296, C replaced by T.
Protein change: p.Thr99Ile; replaces threonine 99 with isoleucine.
Molecular consequence: missense variant.
Genome position (GRCh38, 1-based): chr6:79,060,712, G>A on the plus strand (C>T on the coding strand, the complement: PHIP is on the minus strand). VCF-style: chr6-79060712-G-A. GRCh37 (hg19) VCF-style: chr6-79770429-G-A.
Other names: short protein forms T99I.
Identifiers: ClinVar variation 4998112 (VCV004998112.1).

ClinVar aggregate classification (germline): Uncertain significance (1 of 4 stars; one submission).

Conditions:
PHIP-related disorder. Also called: PHIP-related condition; PHIP-related disorders.

Submission:

PreventionGenetics, part of Exact Sciences
Classification: Uncertain significance for PHIP-related condition. Last evaluated: 2024-11-04. Review status: criteria provided, single submitter. Criteria: ACMG Guidelines, 2015. Collection method: clinical testing. Allele origin: germline.
Comment: The PHIP c.296C>T variant is predicted to result in the amino acid substitution p.Thr99Ile. To our knowledge, this variant has not been reported in the literature or in a large population database (gnomAD), indicating this variant is rare. At this time, the clinical significance of this variant is uncertain due to the absence of conclusive functional and genetic evidence.